The following is an entry in ClinVar:

NM_005879.3(TRAIP):c.470G>A (p.Arg157His)

Gene: TRAIP (TRAF interacting protein; minus strand). Cytogenetic location: 3p21.31.
Variant type: single nucleotide variant.
Coding change: c.470G>A on transcript NM_005879.3 (MANE Select); coding-DNA position 470, G replaced by A.
Protein change: p.Arg157His; replaces arginine 157 with histidine.
Molecular consequence: missense variant.
Genome position (GRCh38, 1-based): chr3:49,842,486, C>T on the plus strand (G>A on the coding strand, the complement: TRAIP is on the minus strand). VCF-style: chr3-49842486-C-T. GRCh37 (hg19) VCF-style: chr3-49879919-C-T.
Other names: short protein forms R157H.
Identifiers: ClinVar variation 2159974 (VCV002159974.31), dbSNP rs143366962, ClinGen allele CA2407804.

ClinVar aggregate classification (germline): Benign/Likely benign. Review status: criteria provided, multiple submitters, no conflicts (2 of 4 stars). 2 submissions from 2 submitters: Benign (1); Likely benign (1). Last evaluated 2026-02-01.

Allele frequency attached by ClinVar (database versions not stated): ESP Exome Variant Server 0.00008; gnomAD exomes 0.00033; gnomAD 0.00034; TOPMed 0.00058; ExAC 0.00090; 1000 Genomes Project 0.00200; 1000 Genomes Project 30x 0.00219.

Submissions (2):

CeGaT Center for Human Genetics Tuebingen
Classification: Likely benign. Last evaluated: 2026-02-01. Review status: criteria provided, single submitter. Criteria: CeGaT Center For Human Genetics Tuebingen Variant Classification Criteria Version 2. Collection method: clinical testing. Allele origin: germline. Affected: yes. Observed: 4 variant alleles.
Comment: TRAIP: BP4, BS1

Labcorp Genetics (formerly Invitae), Labcorp
Classification: Benign. Last evaluated: 2025-07-19. Review status: criteria provided, single submitter. Criteria: Invitae Variant Classification Sherloc (09022015). Collection method: clinical testing. Allele origin: germline.